The following is an entry in ClinVar:

ClinVar aggregate classification (germline): Uncertain significance (1 of 4 stars; one submission).

Conditions:
Medium-chain acyl-coenzyme A dehydrogenase deficiency (ACADMD). Also called: CARNITINE DEFICIENCY SECONDARY TO MEDIUM-CHAIN ACYL-CoA DEHYDROGENASE DEFICIENCY; Medium chain acyl-CoA dehydrogenase deficiency; MCADH DEFICIENCY; MCADD; MCAD Deficiency; ACADM DEFICIENCY. Identifiers: Orphanet 42, MedGen C0220710, MONDO:0008721, OMIM 201450.

gnomAD v4.1: 5 of 1,613,938 alleles (0.00031%); highest among the groups gnomAD compares: Non-Finnish European, 0.00042%; no homozygotes.

Submission:

Labcorp Genetics (formerly Invitae), Labcorp
Classification: Uncertain significance for Medium-chain acyl-coenzyme A dehydrogenase deficiency. Last evaluated: 2025-01-19. Review status: criteria provided, single submitter. Criteria: Invitae Variant Classification Sherloc (09022015). Collection method: clinical testing. Allele origin: germline.
Comment: This sequence change replaces valine, which is neutral and non-polar, with isoleucine, which is neutral and non-polar, at codon 251 of the ACADM protein (p.Val251Ile). This variant is not present in population databases (gnomAD no frequency). This variant has not been reported in the literature in individuals affected with ACADM-related conditions. ClinVar contains an entry for this variant (Variation ID: 2066401). Invitae Evidence Modeling of protein sequence and biophysical properties (such as structural, functional, and spatial information, amino acid conservation, physicochemical variation, residue mobility, and thermodynamic stability) indicates that this missense variant is not expected to disrupt ACADM protein function with a negative predictive value of 80%. In summary, the available evidence is currently insufficient to determine the role of this variant in disease. Therefore, it has been classified as a Variant of Uncertain Significance.

NM_000016.6(ACADM):c.751G>A (p.Val251Ile)

Gene: ACADM (acyl-CoA dehydrogenase medium chain; plus strand). Cytogenetic location: 1p31.1.
Variant type: single nucleotide variant.
Coding change: c.751G>A on transcript NM_000016.6 (MANE Select); coding-DNA position 751, G replaced by A.
Protein change: p.Val251Ile; replaces valine 251 with isoleucine.
Molecular consequence: missense variant.
Genome position (GRCh38, 1-based): chr1:75,749,461, G>A. VCF-style: chr1-75749461-G-A. GRCh37 (hg19) VCF-style: chr1-76215146-G-A.
Other names: c.763G>A, p.Val255Ile (NM_001127328.3); c.643G>A, p.Val215Ile (NM_001286042.2); c.850G>A, p.Val284Ile (NM_001286043.2); c.184G>A, p.Val62Ile (NM_001286044.2); short protein forms V251I, V255I, V215I, V284I, V62I.
Identifiers: ClinVar variation 2066401 (VCV002066401.3), dbSNP rs897430591, ClinGen allele CA24631581.